The following is an entry in ClinVar:

ClinVar aggregate classification (germline): Uncertain significance. Review status: criteria provided, multiple submitters, no conflicts (2 of 4 stars). 2 submissions from 2 submitters: Uncertain significance (2). Last evaluated 2024-03-18.

Allele frequency attached by ClinVar (database versions not stated): gnomAD exomes 0.00001; TOPMed 0.00001; gnomAD 0.00003; ExAC 0.00005; 1000 Genomes Project 30x 0.00031; 1000 Genomes Project 0.00040.
gnomAD v4.1: 20 of 1,613,868 alleles (0.0012%); highest among the groups gnomAD compares: East Asian, 0.045%; no homozygotes.

Submissions (2):

Labcorp Genetics (formerly Invitae), Labcorp
Classification: Uncertain significance. Last evaluated: 2024-03-18. Review status: criteria provided, single submitter. Criteria: Invitae Variant Classification Sherloc (09022015). Collection method: clinical testing. Allele origin: germline.
Comment: This sequence change replaces serine, which is neutral and polar, with proline, which is neutral and non-polar, at codon 15 of the SLC10A2 protein (p.Ser15Pro). This variant is present in population databases (rs551355092, gnomAD 0.07%), and has an allele count higher than expected for a pathogenic variant. This variant has not been reported in the literature in individuals affected with SLC10A2-related conditions. ClinVar contains an entry for this variant (Variation ID: 2471538). An algorithm developed to predict the effect of missense changes on protein structure and function (PolyPhen-2) suggests that this variant is likely to be tolerated. In summary, the available evidence is currently insufficient to determine the role of this variant in disease. Therefore, it has been classified as a Variant of Uncertain Significance.

Ambry Genetics
Classification: Uncertain significance. Last evaluated: 2023-02-28. Review status: criteria provided, single submitter. Criteria: Ambry Variant Classification Scheme 2023. Collection method: clinical testing. Allele origin: germline.

NM_000452.3(SLC10A2):c.43T>C (p.Ser15Pro)

Gene: SLC10A2 (solute carrier family 10 member 2; minus strand). Cytogenetic location: 13q33.1.
Variant type: single nucleotide variant.
Coding change: c.43T>C on transcript NM_000452.3 (MANE Select); coding-DNA position 43, T replaced by C.
Protein change: p.Ser15Pro; replaces serine 15 with proline.
Molecular consequence: missense variant.
Genome position (GRCh38, 1-based): chr13:103,066,207, A>G on the plus strand (T>C on the coding strand, the complement: SLC10A2 is on the minus strand). VCF-style: chr13-103066207-A-G. GRCh37 (hg19) VCF-style: chr13-103718557-A-G.
Other names: short protein forms S15P.
Identifiers: ClinVar variation 2471538 (VCV002471538.5), dbSNP rs551355092, ClinGen allele CA7042363.